The following is an entry in ClinVar:

ClinVar aggregate classification (germline): Uncertain significance (1 of 4 stars; one submission).

Conditions:
Primary ciliary dyskinesia. Also called: Ciliary dyskinesia. Identifiers: Orphanet 244, MedGen C0008780, MONDO:0016575, HP:0012265.

Allele frequency attached by ClinVar (database versions not stated): TOPMed below 0.00001; gnomAD 0.00001.
gnomAD v4.1: 8 of 1,607,444 alleles (0.0005%); highest among the groups gnomAD compares: Admixed American, 0.0034%; no homozygotes.

Submission:

Labcorp Genetics (formerly Invitae), Labcorp
Classification: Uncertain significance for Primary ciliary dyskinesia. Last evaluated: 2021-09-01. Review status: criteria provided, single submitter. Criteria: Invitae Variant Classification Sherloc (09022015). Collection method: clinical testing. Allele origin: germline.
Comment: This sequence change replaces glutamic acid with lysine at codon 128 of the DNAH8 protein (p.Glu128Lys). The glutamic acid residue is moderately conserved and there is a small physicochemical difference between glutamic acid and lysine. This variant is present in population databases (rs763048415, ExAC 0.002%). This variant has not been reported in the literature in individuals affected with DNAH8-related conditions. Algorithms developed to predict the effect of missense changes on protein structure and function are either unavailable or do not agree on the potential impact of this missense change (SIFT: "Deleterious"; PolyPhen-2: "Not Available"; Align-GVGD: "Class C0"). In summary, the available evidence is currently insufficient to determine the role of this variant in disease. Therefore, it has been classified as a Variant of Uncertain Significance.

NM_001206927.2(DNAH8):c.382G>A (p.Glu128Lys)

Genes: DNAH8 (dynein axonemal heavy chain 8; plus strand), LOC126859667 (BRD4-independent group 4 enhancer GRCh37_chr6:38690326-38691525; plus strand). Cytogenetic location: 6p21.2.
Variant type: single nucleotide variant.
Coding change: c.382G>A on transcript NM_001206927.2 (MANE Select); coding-DNA position 382, G replaced by A.
Protein change: p.Glu128Lys; replaces glutamic acid 128 with lysine.
Molecular consequence: missense variant. On other transcripts: 5 prime UTR variant (1).
Genome position (GRCh38, 1-based): chr6:38,723,191, G>A. VCF-style: chr6-38723191-G-A. GRCh37 (hg19) VCF-style: chr6-38690967-G-A.
Other names: c.-185G>A (NM_001371.4); short protein forms E128K.
Identifiers: ClinVar variation 407278 (VCV000407278.6), dbSNP rs763048415, ClinGen allele CA3787916.